The following is an entry in ClinVar:

ClinVar aggregate classification (germline): Conflicting classifications of pathogenicity. Review status: criteria provided, conflicting classifications (1 of 4 stars). 2 submissions from 2 submitters: Uncertain significance (1); Likely benign (1). Last evaluated 2025-12-21.

Conditions:
Hereditary cancer-predisposing syndrome. Also called: Tumor predisposition; Hereditary Cancer Syndrome; Hereditary neoplastic syndrome; Neoplastic Syndromes, Hereditary. Identifiers: Orphanet 140162, MedGen C0027672, MeSH D009386, MONDO:0015356.

Submissions (2):

Ambry Genetics
Classification: Uncertain significance for Hereditary cancer-predisposing syndrome. Last evaluated: 2025-12-21. Review status: criteria provided, single submitter. Criteria: Ambry Variant Classification Scheme 2023. Collection method: clinical testing. Allele origin: germline.
Comment: The p.F851L variant (also known as c.2551T>C), located in coding exon 10 of the BRCA2 gene, results from a T to C substitution at nucleotide position 2551. The phenylalanine at codon 851 is replaced by leucine, an amino acid with highly similar properties. This amino acid position is not well conserved in available vertebrate species. In addition, this alteration is predicted to be tolerated by in silico analysis. Since supporting evidence is limited at this time, the clinical significance of this alteration remains unclear.

University of Washington Department of Laboratory Medicine, University of Washington
Classification: Likely benign for Hereditary cancer-predisposing syndrome. Last evaluated: 2023-03-23. Review status: criteria provided, single submitter. Criteria: Dines et al. (Genet Med. 2020). Collection method: curation. Allele origin: germline.
Comment: Missense variant in a coldspot region where missense variants are very unlikely to be pathogenic (PMID:31911673).

BRCA2 exon 11 coldspot. Reclassification based on statistical prior probability.

NM_000059.4(BRCA2):c.2551T>C (p.Phe851Leu)

Gene: BRCA2 (BRCA2 DNA repair associated; plus strand). Cytogenetic location: 13q13.1.
Variant type: single nucleotide variant.
Coding change: c.2551T>C on transcript NM_000059.4 (MANE Select); coding-DNA position 2551, T replaced by C.
Protein change: p.Phe851Leu; replaces phenylalanine 851 with leucine.
Molecular consequence: missense variant.
Genome position (GRCh38, 1-based): chr13:32,336,906, T>C. VCF-style: chr13-32336906-T-C. GRCh37 (hg19) VCF-style: chr13-32911043-T-C.
Other names: c.2551T>C, p.Phe851Leu (NM_001406719.1, NM_001406720.1); short protein forms F851L.
Identifiers: ClinVar variation 1792962 (VCV001792962.5), dbSNP rs2137487641, ClinGen allele CA387772524.